The following is an entry in ClinVar:

ClinVar aggregate classification (germline): Uncertain significance (1 of 4 stars; one submission).

Submission:

Labcorp Genetics (formerly Invitae), Labcorp
Classification: Uncertain significance. Last evaluated: 2023-04-01. Review status: criteria provided, single submitter. Criteria: Invitae Variant Classification Sherloc (09022015). Collection method: clinical testing. Allele origin: germline.
Comment: In summary, the available evidence is currently insufficient to determine the role of this variant in disease. Therefore, it has been classified as a Variant of Uncertain Significance. An algorithm developed to predict the effect of missense changes on protein structure and function (PolyPhen-2) suggests that this variant is likely to be disruptive. ClinVar contains an entry for this variant (Variation ID: 1511690). This variant has not been reported in the literature in individuals affected with LAMC3-related conditions. This variant is not present in population databases (gnomAD no frequency). This sequence change replaces alanine, which is neutral and non-polar, with glutamic acid, which is acidic and polar, at codon 1440 of the LAMC3 protein (p.Ala1440Glu).

NM_006059.4(LAMC3):c.4319C>A (p.Ala1440Glu)

Gene: LAMC3 (laminin subunit gamma 3; plus strand). Cytogenetic location: 9q34.12.
Variant type: single nucleotide variant.
Coding change: c.4319C>A on transcript NM_006059.4 (MANE Select); coding-DNA position 4319, C replaced by A.
Protein change: p.Ala1440Glu; replaces alanine 1440 with glutamic acid.
Molecular consequence: missense variant.
Genome position (GRCh38, 1-based): chr9:131,087,564, C>A. VCF-style: chr9-131087564-C-A. GRCh37 (hg19) VCF-style: chr9-133962951-C-A.
Other names: short protein forms A1440E.
Identifiers: ClinVar variation 1511690 (VCV001511690.8), dbSNP rs779499766, ClinGen allele CA375265447.